The following is an entry in ClinVar:

NM_006231.4(POLE):c.5848C>T (p.Gln1950Ter)

Gene: POLE (DNA polymerase epsilon, catalytic subunit; minus strand). Cytogenetic location: 12q24.33.
Variant type: single nucleotide variant.
Coding change: c.5848C>T on transcript NM_006231.4 (MANE Select); coding-DNA position 5848, C replaced by T.
Protein change: p.Gln1950Ter; replaces glutamine 1950 with a stop codon.
Molecular consequence: nonsense.
Genome position (GRCh38, 1-based): chr12:132,634,342, G>A on the plus strand (C>T on the coding strand, the complement: POLE is on the minus strand). VCF-style: chr12-132634342-G-A. GRCh37 (hg19) VCF-style: chr12-133210928-G-A.
Other names: c.5848C>T (NM_006231.2); short protein forms Q1950*.
Identifiers: ClinVar variation 2792641 (VCV002792641.4), dbSNP rs2541860346, ClinGen allele CA387371800.
Genomic context (GRCh38, chr12:132,634,342, plus strand): 5'-ATTCCTCCGCCTCTTCCTCCTCCTCCCCATCTCTTTCCTCCTCATCGTCCTCATTTTCCT[G>A]CTCATCCTCTGCTCCCCCTGCTTTCTGGGAGTCTTGCTGTAACACATGAGACAACGCGGC-3'

ClinVar aggregate classification (germline): Conflicting classifications of pathogenicity. Review status: criteria provided, conflicting classifications (1 of 4 stars). 2 submissions from 2 submitters: Pathogenic (1); Uncertain significance (1). Last evaluated 2026-02-27.

Conditions:
Hereditary cancer-predisposing syndrome. Also called: Tumor predisposition; Neoplastic Syndromes, Hereditary; Hereditary Cancer Syndrome; Hereditary neoplastic syndrome. Identifiers: Orphanet 140162, MedGen C0027672, MeSH D009386, MONDO:0015356.

Submissions (2):

Ambry Genetics
Classification: Uncertain significance for Hereditary cancer-predisposing syndrome. Last evaluated: 2026-02-27. Review status: criteria provided, single submitter. Criteria: Ambry Variant Classification Scheme 2023. Collection method: clinical testing. Allele origin: germline.
Comment: The p.Q1950* variant (also known as c.5848C>T), located in coding exon 43 of the POLE gene, results from a C to T substitution at nucleotide position 5848. This changes the amino acid from a glutamine to a stop codon within coding exon 43. This alteration is expected to result in loss of function by premature protein truncation or nonsense-mediated mRNA decay. Although biallelic loss of function of POLE has been associated with autosomal recessive POLE deficiency, haploinsufficiency of POLE has not been established as a mechanism of disease for POLE-related polymerase proofreading-associated polyposis (PPAP) and POLE-related CMMRD-like syndrome. Based on the supporting evidence, this variant is expected to be causative of POLE deficiency when present along with a second pathogenic variant on the other allele; however, its clinical significance for PPAP and POLE-related CMMRD-like syndrome is unclear.

Labcorp Genetics (formerly Invitae), Labcorp
Classification: Pathogenic. Last evaluated: 2024-04-24. Review status: criteria provided, single submitter. Criteria: Invitae Variant Classification Sherloc (09022015). Collection method: clinical testing. Allele origin: germline.
Comment: This sequence change creates a premature translational stop signal (p.Gln1950*) in the POLE gene. It is expected to result in an absent or disrupted protein product. Loss-of-function variants in POLE are known to be pathogenic (PMID: 23230001, 25948378, 30503519). This variant is not present in population databases (gnomAD no frequency). This variant has not been reported in the literature in individuals affected with POLE-related conditions. Algorithms developed to predict the effect of sequence changes on RNA splicing suggest that this variant may disrupt the consensus splice site. For these reasons, this variant has been classified as Pathogenic.

Literature cited by the submitters: PubMed 23230001 (cited by Labcorp Genetics (formerly Invitae), Labcorp); PubMed 25948378 (cited by Labcorp Genetics (formerly Invitae), Labcorp); PubMed 30503519 (cited by Labcorp Genetics (formerly Invitae), Labcorp).